The following is an entry in ClinVar:

ClinVar aggregate classification (germline): Uncertain significance. Review status: criteria provided, multiple submitters, no conflicts (2 of 4 stars). 2 submissions from 2 submitters: Uncertain significance (2). Last evaluated 2026-01-08.

Conditions:
Pseudohypoaldosteronism, type IB3, autosomal recessive (PHA1B3). Identifiers: MedGen C5774256, MONDO:0859318, OMIM 620126.
Bronchiectasis with or without elevated sweat chloride 3 (BESC3). Identifiers: Orphanet 60033, MedGen C2751324, MONDO:0013112, OMIM 613071.
Liddle syndrome 2. Identifiers: MedGen C4748251, MONDO:0020854, OMIM 618114.

gnomAD v4.1: 5 of 1,611,036 alleles (0.00031%); highest among the groups gnomAD compares: Admixed American, 0.0083%; no homozygotes.

Submissions (2):

Labcorp Genetics (formerly Invitae), Labcorp
Classification: Uncertain significance. Last evaluated: 2026-01-08. Review status: criteria provided, single submitter. Criteria: Invitae Variant Classification Sherloc (09022015). Collection method: clinical testing. Allele origin: germline.
Comment: This sequence change falls in intron 6 of the SCNN1G gene. It does not directly change the encoded amino acid sequence of the SCNN1G protein. It affects a nucleotide within the consensus splice site. This variant is present in population databases (rs754536613, gnomAD 0.01%). This variant has not been reported in the literature in individuals affected with SCNN1G-related conditions. ClinVar contains an entry for this variant (Variation ID: 3579917). Variants that disrupt the consensus splice site are a relatively common cause of aberrant splicing (PMID: 17576681, 9536098). Algorithms developed to predict the effect of sequence changes on RNA splicing suggest that this variant is not likely to affect RNA splicing. In summary, the available evidence is currently insufficient to determine the role of this variant in disease. Therefore, it has been classified as a Variant of Uncertain Significance.

Fulgent Genetics
Classification: Uncertain significance for Bronchiectasis with or without elevated sweat chloride 3; Liddle syndrome 2; Pseudohypoaldosteronism, type IB3, autosomal recessive. Last evaluated: 2024-03-22. Review status: criteria provided, single submitter. Criteria: ACMG Guidelines, 2015. Collection method: clinical testing. Allele origin: germline.

Literature cited by the submitters: PubMed 17576681 (cited by Labcorp Genetics (formerly Invitae), Labcorp); PubMed 9536098 (cited by Labcorp Genetics (formerly Invitae), Labcorp).

NM_001039.4(SCNN1G):c.1078-3C>T

Gene: SCNN1G (sodium channel epithelial 1 subunit gamma; plus strand). Cytogenetic location: 16p12.2.
Variant type: single nucleotide variant.
Coding change: c.1078-3C>T on transcript NM_001039.4 (MANE Select); 3 bases into the intron before coding-DNA position 1078, C replaced by T.
Molecular consequence: intron variant.
Genome position (GRCh38, 1-based): chr16:23,209,747, C>T. VCF-style: chr16-23209747-C-T. GRCh37 (hg19) VCF-style: chr16-23221068-C-T.
Identifiers: ClinVar variation 3579917 (VCV003579917.2).
Genomic context (GRCh38, chr16:23,209,747, plus strand): 5'-TGCAAAGCCCCCGCCTGGGTCCGGGGGGAGGACAGGGCTGAGTGTGTGCTGCTGTGATTG[C>T]AGACAGAGTCCTTCAAGCTGAGTGAGCCCTACAGTCAGTGCACGGAGGACGGGAGTGACG-3'